The following is an entry in ClinVar:

NM_001171.6(ABCC6):c.3634-1G>T

Gene: ABCC6 (ATP binding cassette subfamily C member 6; minus strand). Cytogenetic location: 16p13.11.
Variant type: single nucleotide variant.
Coding change: c.3634-1G>T on transcript NM_001171.6 (MANE Select); the canonical splice acceptor site of the intron before coding-DNA position 3634, G replaced by T.
Molecular consequence: splice acceptor variant.
Genome position (GRCh38, 1-based): chr16:16,159,584, C>A on the plus strand (G>T on the coding strand, the complement: ABCC6 is on the minus strand). VCF-style: chr16-16159584-C-A. GRCh37 (hg19) VCF-style: chr16-16253441-C-A.
Other names: c.3292-1G>T (NM_001351800.1).
Identifiers: ClinVar variation 1701283 (VCV001701283.31), dbSNP rs2152218824, ClinGen allele CA394878982.
Genomic context (GRCh38, chr16:16,159,584, plus strand): 5'-CACGATGCTGTTCTCTAGGTCTGTCCAGTTGCGAACAACCCACTGCAGTGTCTGGGTCAC[C>A]TGGTGCAAGAAAGCCTCTCTGGCTGGGTTTGGCAAGGCCACTTGAGGGCTTGCAACAGCC-3'

ClinVar aggregate classification (germline): Pathogenic (1 of 4 stars; one submission).

Submission:

CeGaT Center for Human Genetics Tuebingen
Classification: Pathogenic. Last evaluated: 2022-07-01. Review status: criteria provided, single submitter. Criteria: CeGaT Center For Human Genetics Tuebingen Variant Classification Criteria Version 2. Collection method: clinical testing. Allele origin: germline. Affected: yes. Observed: 1 variant allele.
Comment: ABCC6: PVS1, PM2, PM3